The following is an entry in ClinVar:

ClinVar aggregate classification (germline): Conflicting classifications of pathogenicity. Review status: criteria provided, conflicting classifications (1 of 4 stars). 2 submissions from 2 submitters: Likely pathogenic (1); Uncertain significance (1). Last evaluated 2024-03-16.

Conditions:
Mucopolysaccharidosis type 6 (MPS6). Also called: N-ACETYLGALACTOSAMINE-4-SULFATASE DEFICIENCY; MPS VI; MPS 6; Maroteaux Lamy syndrome; ARSB DEFICIENCY; ARYLSULFATASE B DEFICIENCY. Identifiers: Orphanet 583, MedGen C0026709, MONDO:0009661, OMIM 253200.

gnomAD v4.1: 3 of 1,544,284 alleles (0.00019%); highest among the groups gnomAD compares: Non-Finnish European, 0.00026%; no homozygotes.

Submissions (2):

Baylor Genetics
Classification: Likely pathogenic for Mucopolysaccharidosis type 6. Last evaluated: 2024-03-16. Review status: criteria provided, single submitter. Criteria: ACMG Guidelines, 2015. Collection method: clinical testing. Allele origin: unknown.

Laboratory of Diagnosis and Therapy of Lysosomal Disorders, University of Padova
Classification: Uncertain significance for Mucopolysaccharidosis type 6. Last evaluated: 2018-01-01. Review status: criteria provided, single submitter. Criteria: ACMG Guidelines, 2015. Collection method: curation. Allele origin: germline. Affected: yes.
Comment: Absent from GnomAD (PM2);

Literature cited by the submitters: PubMed 24373060 (cited by Laboratory of Diagnosis and Therapy of Lysosomal Disorders, University of Padova); PubMed 17458871 (cited by Laboratory of Diagnosis and Therapy of Lysosomal Disorders, University of Padova); PubMed 30118150 (cited by Laboratory of Diagnosis and Therapy of Lysosomal Disorders, University of Padova).

NM_000046.5(ARSB):c.171G>C (p.Trp57Cys)

Genes: ARSB (arylsulfatase B; minus strand), LOC129994126 (ATAC-STARR-seq lymphoblastoid silent region 16127; plus strand). Cytogenetic location: 5q14.1.
Variant type: single nucleotide variant.
Coding change: c.171G>C on transcript NM_000046.5 (MANE Select); coding-DNA position 171, G replaced by C.
Protein change: p.Trp57Cys; replaces tryptophan 57 with cysteine.
Molecular consequence: missense variant.
Genome position (GRCh38, 1-based): chr5:78,985,078, C>G on the plus strand (G>C on the coding strand, the complement: ARSB is on the minus strand). VCF-style: chr5-78985078-C-G. GRCh37 (hg19) VCF-style: chr5-78280901-C-G.
Other names: c.171G>C, p.Trp57Cys (NM_198709.3); short protein forms W57C.
Identifiers: ClinVar variation 559732 (VCV000559732.2), dbSNP rs1554032205, ClinGen allele CA360196879.